The following is an entry in ClinVar:

ClinVar aggregate classification (germline): Pathogenic (1 of 4 stars; one submission).

Conditions:
Joubert syndrome. Also called: CEREBELLOPARENCHYMAL DISORDER IV; JOUBERT-BOLTSHAUSER SYNDROME; Familial aplasia of the vermis. Identifiers: Orphanet 475, MedGen C5979921, MONDO:0018772.
Meckel-Gruber syndrome. Also called: DYSENCEPHALIA SPLANCHNOCYSTICA; GRUBER SYNDROME; Dysencephalia splachnocystica. Identifiers: Orphanet 564, MedGen C0265215, MONDO:0018921.

Submission:

Labcorp Genetics (formerly Invitae), Labcorp
Classification: Pathogenic for Joubert syndrome; Meckel-Gruber syndrome. Last evaluated: 2025-01-15. Review status: criteria provided, single submitter. Criteria: Invitae Variant Classification Sherloc (09022015). Collection method: clinical testing. Allele origin: germline.
Comment: This sequence change creates a premature translational stop signal (p.Glu154*) in the B9D1 gene. While this is not anticipated to result in nonsense mediated decay, it is expected to disrupt the last 51 amino acid(s) of the B9D1 protein. This variant is not present in population databases (gnomAD no frequency). This variant has not been reported in the literature in individuals affected with B9D1-related conditions. ClinVar contains an entry for this variant (Variation ID: 2041948). This variant disrupts a region of the B9D1 protein in which other variant(s) (p.Arg156Gln) have been determined to be pathogenic (PMID: 24886560; internal data). This suggests that this is a clinically significant region of the protein, and that variants that disrupt it are likely to be disease-causing. For these reasons, this variant has been classified as Pathogenic.

Literature cited by the submitters: PubMed 24886560.

NM_015681.6(B9D1):c.460G>T (p.Glu154Ter)

Gene: B9D1 (B9 domain containing 1; minus strand). Cytogenetic location: 17p11.2.
Variant type: single nucleotide variant.
Coding change: c.460G>T on transcript NM_015681.6 (MANE Select); coding-DNA position 460, G replaced by T.
Protein change: p.Glu154Ter; replaces glutamic acid 154 with a stop codon.
Molecular consequence: nonsense. On other transcripts: intron variant (1).
Genome position (GRCh38, 1-based): chr17:19,343,802, C>A on the plus strand (G>T on the coding strand, the complement: B9D1 is on the minus strand). VCF-style: chr17-19343802-C-A. GRCh37 (hg19) VCF-style: chr17-19247115-C-A.
Other names: c.460G>T, p.Glu154Ter (NM_001321214.2, NM_001321215.3, NM_001321217.2 and 2 more transcripts); c.100G>T, p.Glu34Ter (NM_001368769.2); c.404+3467G>T (NM_001321219.2); short protein forms E34*, E154*.
Identifiers: ClinVar variation 2041948 (VCV002041948.4), dbSNP rs1908307291, ClinGen allele CA398694698.